The following is an entry in ClinVar:

NM_002907.4(RECQL):c.1741_1743del (p.Asn581del)

Genes: PYROXD1 (pyridine nucleotide-disulphide oxidoreductase domain 1; plus strand), RECQL (RecQ like helicase; minus strand). Cytogenetic location: 12p12.1.
Variant type: Deletion.
Coding change: c.1741_1743del on transcript NM_002907.4 (MANE Select); coding-DNA positions 1741 to 1743, 3 bases deleted (AAT; older notation c.1741_1743delAAT).
Protein change: p.Asn581del; deletes asparagine 581.
Molecular consequence: inframe deletion. On other transcripts: 3 prime UTR variant (3).
Genome position (GRCh38, 1-based): chr12:21,471,023-21,471,025, ATT deleted on the plus strand (AAT on the coding strand, the reverse complement: RECQL is on the minus strand). VCF-style (leftmost placement, unchanged base first): chr12-21471022-CATT-C. GRCh37 (hg19) VCF-style: chr12-21623956-CATT-C.
Other names: c.1741_1743del, p.Asn581del (NM_032941.3); c.*2269_*2271del (NM_001350912.2, NM_001350913.2, NM_024854.5); short protein forms N581del.
Identifiers: ClinVar variation 1380249 (VCV001380249.6), dbSNP rs1565560897, ClinGen allele CA919039743.

ClinVar aggregate classification (germline): Uncertain significance (1 of 4 stars; one submission).

Allele frequency attached by ClinVar (database versions not stated): gnomAD exomes below 0.00001.

Submission:

Labcorp Genetics (formerly Invitae), Labcorp
Classification: Uncertain significance. Last evaluated: 2021-09-09. Review status: criteria provided, single submitter. Criteria: Invitae Variant Classification Sherloc (09022015). Collection method: clinical testing. Allele origin: germline.
Comment: This variant, c.1741_1743del, results in the deletion of 1 amino acid(s) of the RECQL protein (p.Asn581del), but otherwise preserves the integrity of the reading frame. This variant is not present in population databases (ExAC no frequency). This variant has not been reported in the literature in individuals affected with RECQL-related conditions. Experimental studies and prediction algorithms are not available or were not evaluated, and the functional significance of this variant is currently unknown. In summary, the available evidence is currently insufficient to determine the role of this variant in disease. Therefore, it has been classified as a Variant of Uncertain Significance.